The following is an entry in ClinVar:

ClinVar aggregate classification (germline): Uncertain significance (1 of 4 stars; one submission).

Conditions:
Hypertrophic cardiomyopathy. Also called: HYPERTROPHIC MYOCARDIOPATHY. Identifiers: Orphanet 217569, MedGen C0007194, MeSH D002312, MONDO:0005045, HP:0001639.

Submission:

Labcorp Genetics (formerly Invitae), Labcorp
Classification: Uncertain significance for Hypertrophic cardiomyopathy. Last evaluated: 2024-11-28. Review status: criteria provided, single submitter. Criteria: Invitae Variant Classification Sherloc (09022015). Collection method: clinical testing. Allele origin: germline.
Comment: This sequence change replaces lysine, which is basic and polar, with threonine, which is neutral and polar, at codon 640 of the MYH7 protein (p.Lys640Thr). This variant is not present in population databases (gnomAD no frequency). This missense change has been observed in individual(s) with dilated cardiomyopathy (internal data). Invitae Evidence Modeling of protein sequence and biophysical properties (such as structural, functional, and spatial information, amino acid conservation, physicochemical variation, residue mobility, and thermodynamic stability) indicates that this missense variant is expected to disrupt MYH7 protein function with a positive predictive value of 95%. In summary, the available evidence is currently insufficient to determine the role of this variant in disease. Therefore, it has been classified as a Variant of Uncertain Significance.

NM_000257.4(MYH7):c.1919A>C (p.Lys640Thr)

Gene: MYH7 (myosin heavy chain 7; minus strand). Cytogenetic location: 14q11.2.
Variant type: single nucleotide variant.
Coding change: c.1919A>C on transcript NM_000257.4 (MANE Select); coding-DNA position 1919, A replaced by C.
Protein change: p.Lys640Thr; replaces lysine 640 with threonine.
Molecular consequence: missense variant.
Genome position (GRCh38, 1-based): chr14:23,427,277, T>G on the plus strand (A>C on the coding strand, the complement: MYH7 is on the minus strand). VCF-style: chr14-23427277-T-G. GRCh37 (hg19) VCF-style: chr14-23896486-T-G.
Other names: c.1919A>C, p.Lys640Thr (NM_001407004.1); short protein forms K640T.
Identifiers: ClinVar variation 3636039 (VCV003636039.2).